The following is an entry in ClinVar:

ClinVar aggregate classification (germline): Benign/Likely benign. Review status: criteria provided, multiple submitters, no conflicts (2 of 4 stars). 2 submissions from 2 submitters: Benign (1); Likely benign (1). Last evaluated 2026-01-28.

Conditions:
MHC class II deficiency. Also called: Bare lymphocyte syndrome 2; BLS, TYPE II. Identifiers: Orphanet 572, MedGen C5447452, MONDO:0008855.

Allele frequency attached by ClinVar (database versions not stated): TOPMed 0.00037; 1000 Genomes Project 30x 0.00203; 1000 Genomes Project 0.00240.

Submissions (2):

Labcorp Genetics (formerly Invitae), Labcorp
Classification: Benign for MHC class II deficiency. Last evaluated: 2026-01-28. Review status: criteria provided, single submitter. Criteria: Invitae Variant Classification Sherloc (09022015). Collection method: clinical testing. Allele origin: germline.

Illumina Laboratory Services, Illumina
Classification: Likely benign for MHC class II deficiency 1. Last evaluated: 2018-01-12. Review status: criteria provided, single submitter. Criteria: ICSL Variant Classification Criteria 13 December 2019. Collection method: clinical testing. Allele origin: germline.
Comment: This variant was observed in the ICSL laboratory as part of a predisposition screen in an ostensibly healthy population. It had not been previously curated by ICSL or reported in the Human Gene Mutation Database (HGMD: prior to June 1st, 2018), and was therefore a candidate for classification through an automated scoring system. Utilizing variant allele frequency, disease prevalence and penetrance estimates, and inheritance mode, an automated score was calculated to assess if this variant is too frequent to cause the disease. Based on the score and internal cut-off values, a variant classified as likely benign is not then subjected to further curation. The score for this variant resulted in a classification of likely benign for this disease.

NM_003721.4(RFXANK):c.535C>T (p.Arg179Cys)

Gene: RFXANK (regulatory factor X associated ankyrin containing protein; plus strand). Cytogenetic location: 19p13.11.
Variant type: single nucleotide variant.
Coding change: c.535C>T on transcript NM_003721.4 (MANE Select); coding-DNA position 535, C replaced by T.
Protein change: p.Arg179Cys; replaces arginine 179 with cysteine.
Molecular consequence: missense variant.
Genome position (GRCh38, 1-based): chr19:19,198,203, C>T. VCF-style: chr19-19198203-C-T. GRCh37 (hg19) VCF-style: chr19-19309012-C-T.
Other names: c.469C>T, p.Arg157Cys (NM_001278727.2, NM_001370234.1); c.466C>T, p.Arg156Cys (NM_001278728.2, NM_134440.3); c.535C>T, p.Arg179Cys (NM_001370233.1, NM_001370238.1); c.532C>T, p.Arg178Cys (NM_001370235.1, NM_001370236.1, NM_001370237.1); short protein forms R156C, R179C, R157C, R178C.
Identifiers: ClinVar variation 890365 (VCV000890365.12), dbSNP rs115964828, ClinGen allele CA9322794.